The following is an entry in ClinVar:

ClinVar aggregate classification (germline): Uncertain significance (1 of 4 stars; one submission).

Conditions:
Charcot-Marie-Tooth disease axonal type 2C (HMSN2C). Also called: Charcot-Marie-Tooth Disease Type 2, TRPV4-Related (CMT2C); CHARCOT-MARIE-TOOTH DISEASE, AXONAL, AUTOSOMAL DOMINANT, TYPE 2C; Charcot-Marie-Tooth Neuropathy Type 2C. Identifiers: Orphanet 99937, MedGen C1853710, MONDO:0011633, OMIM 606071.

gnomAD v4.1: 1 of 1,613,908 alleles (0.000062%); no homozygotes.

Submission:

Labcorp Genetics (formerly Invitae), Labcorp
Classification: Uncertain significance for Charcot-Marie-Tooth disease axonal type 2C. Last evaluated: 2023-11-28. Review status: criteria provided, single submitter. Criteria: Invitae Variant Classification Sherloc (09022015). Collection method: clinical testing. Allele origin: germline.
Comment: This sequence change replaces asparagine, which is neutral and polar, with isoleucine, which is neutral and non-polar, at codon 474 of the TRPV4 protein (p.Asn474Ile). This variant is not present in population databases (gnomAD no frequency). This variant has not been reported in the literature in individuals affected with TRPV4-related conditions. ClinVar contains an entry for this variant (Variation ID: 1021689). Advanced modeling of protein sequence and biophysical properties (such as structural, functional, and spatial information, amino acid conservation, physicochemical variation, residue mobility, and thermodynamic stability) performed at Invitae indicates that this missense variant is not expected to disrupt TRPV4 protein function with a negative predictive value of 95%. In summary, the available evidence is currently insufficient to determine the role of this variant in disease. Therefore, it has been classified as a Variant of Uncertain Significance.

NM_021625.5(TRPV4):c.1421A>T (p.Asn474Ile)

Gene: TRPV4 (transient receptor potential cation channel subfamily V member 4; minus strand). Cytogenetic location: 12q24.11.
Variant type: single nucleotide variant.
Coding change: c.1421A>T on transcript NM_021625.5 (MANE Select); coding-DNA position 1421, A replaced by T.
Protein change: p.Asn474Ile; replaces asparagine 474 with isoleucine.
Molecular consequence: missense variant.
Genome position (GRCh38, 1-based): chr12:109,794,399, T>A on the plus strand (A>T on the coding strand, the complement: TRPV4 is on the minus strand). VCF-style: chr12-109794399-T-A. GRCh37 (hg19) VCF-style: chr12-110232204-T-A.
Other names: c.1280A>T, p.Asn427Ile (NM_001177428.2); c.1319A>T, p.Asn440Ile (NM_001177431.2); c.1100A>T, p.Asn367Ile (NM_001177433.2); c.1241A>T, p.Asn414Ile (NM_147204.3); short protein forms N367I, N414I, N427I, N440I, N474I.
Identifiers: ClinVar variation 1021689 (VCV001021689.8), dbSNP rs150461804, ClinGen allele CA386653032.